The following is an entry in ClinVar:

NM_033026.6(PCLO):c.12082A>G (p.Ser4028Gly)

Gene: PCLO (piccolo presynaptic cytomatrix protein; minus strand). Cytogenetic location: 7q21.11.
Variant type: single nucleotide variant.
Coding change: c.12082A>G on transcript NM_033026.6 (MANE Select); coding-DNA position 12082, A replaced by G.
Protein change: p.Ser4028Gly; replaces serine 4028 with glycine.
Molecular consequence: missense variant.
Genome position (GRCh38, 1-based): chr7:82,915,904, T>C on the plus strand (A>G on the coding strand, the complement: PCLO is on the minus strand). VCF-style: chr7-82915904-T-C. GRCh37 (hg19) VCF-style: chr7-82545220-T-C.
Other names: c.12082A>G, p.Ser4028Gly (NM_014510.3); short protein forms S4028G.
Identifiers: ClinVar variation 1493626 (VCV001493626.8), dbSNP rs1425382115, ClinGen allele CA367890328.

ClinVar aggregate classification (germline): Uncertain significance (1 of 4 stars; one submission).

Allele frequency attached by ClinVar (database versions not stated): gnomAD 0.00002; TOPMed 0.00002.
gnomAD v4.1: 3 of 1,613,390 alleles (0.00019%); highest among the groups gnomAD compares: African/African-American, 0.004%; no homozygotes.

Submission:

Labcorp Genetics (formerly Invitae), Labcorp
Classification: Uncertain significance. Last evaluated: 2022-07-19. Review status: criteria provided, single submitter. Criteria: Invitae Variant Classification Sherloc (09022015). Collection method: clinical testing. Allele origin: germline.
Comment: In summary, the available evidence is currently insufficient to determine the role of this variant in disease. Therefore, it has been classified as a Variant of Uncertain Significance. Algorithms developed to predict the effect of missense changes on protein structure and function are either unavailable or do not agree on the potential impact of this missense change (SIFT: "Deleterious"; PolyPhen-2: "Not Available"; Align-GVGD: "Class C0"). ClinVar contains an entry for this variant (Variation ID: 1493626). This variant has not been reported in the literature in individuals affected with PCLO-related conditions. This variant is present in population databases (no rsID available, gnomAD 0.02%). This sequence change replaces serine, which is neutral and polar, with glycine, which is neutral and non-polar, at codon 4028 of the PCLO protein (p.Ser4028Gly).